The following is an entry in ClinVar:

ClinVar aggregate classification (germline): Uncertain significance (1 of 4 stars; one submission).

Allele frequency attached by ClinVar (database versions not stated): TOPMed below 0.00001; gnomAD exomes 0.00003 and 0.00008; ExAC 0.00013.
gnomAD v4.1: 21 of 1,601,202 alleles (0.0013%); highest among the groups gnomAD compares: Admixed American, 0.035%; no homozygotes.

Submission:

Labcorp Genetics (formerly Invitae), Labcorp
Classification: Uncertain significance. Last evaluated: 2025-06-24. Review status: criteria provided, single submitter. Criteria: Invitae Variant Classification Sherloc (09022015). Collection method: clinical testing. Allele origin: germline.
Comment: This sequence change replaces proline, which is neutral and non-polar, with arginine, which is basic and polar, at codon 171 of the FAR1 protein (p.Pro171Arg). This variant is present in population databases (rs772660427, gnomAD 0.05%). This variant has not been reported in the literature in individuals affected with FAR1-related conditions. ClinVar contains an entry for this variant (Variation ID: 1497046). Invitae Evidence Modeling of protein sequence and biophysical properties (such as structural, functional, and spatial information, amino acid conservation, physicochemical variation, residue mobility, and thermodynamic stability) indicates that this missense variant is not expected to disrupt FAR1 protein function with a negative predictive value of 80%. In summary, the available evidence is currently insufficient to determine the role of this variant in disease. Therefore, it has been classified as a Variant of Uncertain Significance.

NM_032228.6(FAR1):c.512C>G (p.Pro171Arg)

Gene: FAR1 (fatty acyl-CoA reductase 1; plus strand). Cytogenetic location: 11p15.3.
Variant type: single nucleotide variant.
Coding change: c.512C>G on transcript NM_032228.6 (MANE Select); coding-DNA position 512, C replaced by G.
Protein change: p.Pro171Arg; replaces proline 171 with arginine.
Molecular consequence: missense variant.
Genome position (GRCh38, 1-based): chr11:13,708,046, C>G. VCF-style: chr11-13708046-C-G. GRCh37 (hg19) VCF-style: chr11-13729593-C-G.
Other names: short protein forms P171R.
Identifiers: ClinVar variation 1497046 (VCV001497046.6), dbSNP rs772660427, ClinGen allele CA5893326.
Genomic context (GRCh38, chr11:13,708,046, plus strand): 5'-TATCAACAGCATATGCCTACTGTAATCGCAAGCATATTGATGAAGTAGTCTATCCACCAC[C>G]TGTGGATCCCAAGAAGCTGATTGATTCTTTAGAGTATGTTTGTTTGAAATTTATATACAT-3'
Protein context (NP_115604.1, residues 161-181): KHIDEVVYPP[Pro171Arg]VDPKKLIDSL